The following is an entry in ClinVar:

NM_173598.6(KSR2):c.2398G>T (p.Val800Phe)

Gene: KSR2 (kinase suppressor of ras 2; minus strand). Cytogenetic location: 12q24.22.
Variant type: single nucleotide variant.
Coding change: c.2398G>T on transcript NM_173598.6 (MANE Select); coding-DNA position 2398, G replaced by T.
Protein change: p.Val800Phe; replaces valine 800 with phenylalanine.
Molecular consequence: missense variant.
Genome position (GRCh38, 1-based): chr12:117,484,468, C>A on the plus strand (G>T on the coding strand, the complement: KSR2 is on the minus strand). VCF-style: chr12-117484468-C-A. GRCh37 (hg19) VCF-style: chr12-117922273-C-A.
Other names: short protein forms V800F.
Identifiers: ClinVar variation 4770556 (VCV004770556.1).

ClinVar aggregate classification (germline): Uncertain significance (1 of 4 stars; one submission).

gnomAD v4.1: 1 of 1,613,998 alleles (0.000062%); highest among the groups gnomAD compares: Non-Finnish European, 0.000085%; no homozygotes.

Submission:

Labcorp Genetics (formerly Invitae), Labcorp
Classification: Uncertain significance. Last evaluated: 2025-05-09. Review status: criteria provided, single submitter. Criteria: Invitae Variant Classification Sherloc (09022015). Collection method: clinical testing. Allele origin: germline.
Comment: This sequence change replaces valine, which is neutral and non-polar, with phenylalanine, which is neutral and non-polar, at codon 771 of the KSR2 protein (p.Val771Phe). This variant is not present in population databases (gnomAD no frequency). This variant has not been reported in the literature in individuals affected with KSR2-related conditions. An algorithm developed to predict the effect of missense changes on protein structure and function (PolyPhen-2) suggests that this variant is likely to be disruptive. In summary, the available evidence is currently insufficient to determine the role of this variant in disease. Therefore, it has been classified as a Variant of Uncertain Significance.